The following is an entry in ClinVar:

ClinVar aggregate classification (germline): Uncertain significance. Review status: criteria provided, multiple submitters, no conflicts (2 of 4 stars). 2 submissions from 2 submitters: Uncertain significance (2). Last evaluated 2024-03-09.

Conditions:
DICER1-related tumor predisposition. Also called: DICER1-related pleuropulmonary blastoma cancer predisposition syndrome; DICER1 syndrome. Identifiers: Orphanet 284343, MedGen C3839822, MONDO:0100216.
Hereditary cancer-predisposing syndrome. Also called: Hereditary neoplastic syndrome; Hereditary Cancer Syndrome; Neoplastic Syndromes, Hereditary; Tumor predisposition. Identifiers: Orphanet 140162, MedGen C0027672, MeSH D009386, MONDO:0015356.

Submissions (2):

Ambry Genetics
Classification: Uncertain significance for Hereditary cancer-predisposing syndrome. Last evaluated: 2024-03-09. Review status: criteria provided, single submitter. Criteria: Ambry Variant Classification Scheme 2023. Collection method: clinical testing. Allele origin: germline.
Comment: The p.K500I variant (also known as c.1499A>T), located in coding exon 8 of the DICER1 gene, results from an A to T substitution at nucleotide position 1499. The lysine at codon 500 is replaced by isoleucine, an amino acid with dissimilar properties. This amino acid position is conserved. In addition, this alteration is predicted to be deleterious by in silico analysis. Based on the available evidence, the clinical significance of this alteration remains unclear.

Labcorp Genetics (formerly Invitae), Labcorp
Classification: Uncertain significance for DICER1-related tumor predisposition. Last evaluated: 2021-02-01. Review status: criteria provided, single submitter. Criteria: Invitae Variant Classification Sherloc (09022015). Collection method: clinical testing. Allele origin: germline.
Comment: In summary, the available evidence is currently insufficient to determine the role of this variant in disease. Therefore, it has been classified as a Variant of Uncertain Significance. Algorithms developed to predict the effect of missense changes on protein structure and function (SIFT, PolyPhen-2, Align-GVGD) all suggest that this variant is likely to be disruptive, but these predictions have not been confirmed by published functional studies and their clinical significance is uncertain. This variant has not been reported in the literature in individuals with DICER1-related conditions. This variant is not present in population databases (ExAC no frequency). This sequence change replaces lysine with isoleucine at codon 500 of the DICER1 protein (p.Lys500Ile). The lysine residue is highly conserved and there is a moderate physicochemical difference between lysine and isoleucine.

NM_177438.3(DICER1):c.1499A>T (p.Lys500Ile)

Gene: DICER1 (dicer 1, ribonuclease III; minus strand). Cytogenetic location: 14q32.13.
Variant type: single nucleotide variant.
Coding change: c.1499A>T on transcript NM_177438.3 (MANE Select); coding-DNA position 1499, A replaced by T.
Protein change: p.Lys500Ile; replaces lysine 500 with isoleucine.
Molecular consequence: missense variant.
Genome position (GRCh38, 1-based): chr14:95,117,632, T>A on the plus strand (A>T on the coding strand, the complement: DICER1 is on the minus strand). VCF-style: chr14-95117632-T-A. GRCh37 (hg19) VCF-style: chr14-95583969-T-A.
Other names: c.1499A>T, p.Lys500Ile (NM_001195573.1, NM_001271282.3, NM_001291628.2 and 1 more transcripts); c.1499A>T (NM_177438.2); short protein forms K500I.
Identifiers: ClinVar variation 1368516 (VCV001368516.10), dbSNP rs1892593906, ClinGen allele CA390885403.
Genomic context (GRCh38, chr14:95,117,632, plus strand): 5'-TGTATATGTCCCGAAAACTGTTATTGTACACTTATTTTGATTTAAGTTACCTCTTCCTGT[T>A]TTCTGAATTCTGCTTCCATCTGTTTGTTGCGAGGCTGATTCTTCCCAATGCCATGTCCAG-3'
Protein context (NP_803187.1, residues 490-510): RNKQMEAEFR[Lys500Ile]QEEVLRKFRA